The following is an entry in ClinVar:

ClinVar aggregate classification (germline): Likely benign (1 of 4 stars; one submission).

Conditions:
FHOD3-related disorder. Also called: FHOD3-related condition.

gnomAD v4.1: 47 of 1,607,506 alleles (0.0029%); highest among the groups gnomAD compares: African/African-American, 0.054%; no homozygotes.

Submission:

PreventionGenetics, part of Exact Sciences
Classification: Likely benign for FHOD3-related condition. Last evaluated: 2026-08-03. Review status: criteria provided, single submitter. Criteria: ACMG Guidelines, 2015. Collection method: clinical testing. Allele origin: germline.
Comment: This variant is classified as likely benign based on ACMG/AMP sequence variant interpretation guidelines (Richards et al. 2015 PMID: 25741868, with internal and published modifications).

NM_001281740.3(FHOD3):c.1746T>C (p.Ser582=)

Gene: FHOD3 (formin homology 2 domain containing 3; plus strand). Cytogenetic location: 18q12.2.
Variant type: single nucleotide variant.
Coding change: c.1746T>C on transcript NM_001281740.3 (MANE Select); coding-DNA position 1746, T replaced by C.
Protein change: p.Ser582=; no amino-acid change (serine 582 retained).
Molecular consequence: synonymous variant.
Genome position (GRCh38, 1-based): chr18:36,658,099, T>C. VCF-style: chr18-36658099-T-C. GRCh37 (hg19) VCF-style: chr18-34238062-T-C.
Other names: c.1221T>C, p.Ser407= (NM_001281739.3, NM_025135.5).
Identifiers: ClinVar variation 4980071 (VCV004980071.1).